The following is an entry in ClinVar:

NM_005591.4(MRE11):c.1324A>G (p.Lys442Glu)

Gene: MRE11 (MRE11 double strand break repair nuclease; minus strand). Cytogenetic location: 11q21.
Variant type: single nucleotide variant.
Coding change: c.1324A>G on transcript NM_005591.4 (MANE Select); coding-DNA position 1324, A replaced by G.
Protein change: p.Lys442Glu; replaces lysine 442 with glutamic acid.
Molecular consequence: missense variant.
Genome position (GRCh38, 1-based): chr11:94,460,938, T>C on the plus strand (A>G on the coding strand, the complement: MRE11 is on the minus strand). VCF-style: chr11-94460938-T-C. GRCh37 (hg19) VCF-style: chr11-94194104-T-C.
Other names: c.1324A>G, p.Lys442Glu (NM_001330347.2, NM_005590.4); short protein forms K442E.
Identifiers: ClinVar variation 1799693 (VCV001799693.7), dbSNP rs1008952688, ClinGen allele CA226529459.

ClinVar aggregate classification (germline): Uncertain significance. Review status: criteria provided, multiple submitters, no conflicts (2 of 4 stars). 2 submissions from 2 submitters: Uncertain significance (2). Last evaluated 2025-04-16.

Conditions:
Ataxia-telangiectasia-like disorder (ATLD). Identifiers: MedGen C1858391, MONDO:0011457.
Hereditary cancer-predisposing syndrome. Also called: Neoplastic Syndromes, Hereditary; Tumor predisposition; Hereditary Cancer Syndrome; Hereditary neoplastic syndrome. Identifiers: Orphanet 140162, MedGen C0027672, MeSH D009386, MONDO:0015356.

Allele frequency attached by ClinVar (database versions not stated): TOPMed below 0.00001.
gnomAD v4.1: 1 of 1,612,122 alleles (0.000062%); highest among the groups gnomAD compares: Middle Eastern, 0.017%; no homozygotes.

Submissions (2):

Labcorp Genetics (formerly Invitae), Labcorp
Classification: Uncertain significance for Ataxia-telangiectasia-like disorder. Last evaluated: 2025-04-16. Review status: criteria provided, single submitter. Criteria: Invitae Variant Classification Sherloc (09022015). Collection method: clinical testing. Allele origin: germline.
Comment: This sequence change replaces lysine, which is basic and polar, with glutamic acid, which is acidic and polar, at codon 442 of the MRE11 protein (p.Lys442Glu). This variant is not present in population databases (gnomAD no frequency). This variant has not been reported in the literature in individuals affected with MRE11-related conditions. ClinVar contains an entry for this variant (Variation ID: 1799693). An algorithm developed to predict the effect of missense changes on protein structure and function (PolyPhen-2) suggests that this variant is likely to be tolerated. In summary, the available evidence is currently insufficient to determine the role of this variant in disease. Therefore, it has been classified as a Variant of Uncertain Significance.

Ambry Genetics
Classification: Uncertain significance for Hereditary cancer-predisposing syndrome. Last evaluated: 2023-12-06. Review status: criteria provided, single submitter. Criteria: Ambry Variant Classification Scheme 2023. Collection method: clinical testing. Allele origin: germline.
Comment: The p.K442E variant (also known as c.1324A>G), located in coding exon 11 of the MRE11A gene, results from an A to G substitution at nucleotide position 1324. The lysine at codon 442 is replaced by glutamic acid, an amino acid with similar properties. This amino acid position is highly conserved in available vertebrate species. In addition, the in silico prediction for this alteration is inconclusive. Since supporting evidence is limited at this time, the clinical significance of this alteration remains unclear.